The following is an entry in ClinVar:

NM_021870.3(FGG):c.1228A>G (p.Met410Val)

Gene: FGG (fibrinogen gamma chain; minus strand). Cytogenetic location: 4q32.1.
Variant type: single nucleotide variant.
Coding change: c.1228A>G on transcript NM_021870.3 (MANE Select); coding-DNA position 1228, A replaced by G.
Protein change: p.Met410Val; replaces methionine 410 with valine.
Molecular consequence: missense variant.
Genome position (GRCh38, 1-based): chr4:154,604,968, T>C on the plus strand (A>G on the coding strand, the complement: FGG is on the minus strand). VCF-style: chr4-154604968-T-C. GRCh37 (hg19) VCF-style: chr4-155526120-T-C.
Other names: c.1228A>G, p.Met410Val (NM_000509.6); short protein forms M410V.
Identifiers: ClinVar variation 4688668 (VCV004688668.1).

ClinVar aggregate classification (germline): Uncertain significance (1 of 4 stars; one submission).

gnomAD v4.1: 21 of 1,614,114 alleles (0.0013%); highest among the groups gnomAD compares: Middle Eastern, 0.017%; no homozygotes.

Submission:

Women's Health and Genetics/Laboratory Corporation of America, LabCorp
Classification: Uncertain significance. Last evaluated: 2025-12-30. Review status: criteria provided, single submitter. Criteria: LabCorp Variant Classification Summary - May 2015. Collection method: clinical testing. Allele origin: germline.
Comment: Variant summary: FGG c.1228A>G (p.Met410Val) results in a conservative amino acid change in the encoded protein sequence. Algorithms developed to predict the effect of missense changes on protein structure and function are either unavailable or do not agree on the potential impact of this missense change. The variant allele was found at a frequency of 1.2e-05 in 251376 control chromosomes. The available data on variant occurrences in the general population are insufficient to allow any conclusion about variant significance. To our knowledge, no occurrence of c.1228A>G in individuals affected with FGG-related conditions and no experimental evidence demonstrating its impact on protein function have been reported. No submitters have cited clinical-significance assessments for this variant to ClinVar. Based on the evidence outlined above, the variant was classified as uncertain significance.